The following is an entry in ClinVar:

ClinVar aggregate classification (germline): Pathogenic. Review status: criteria provided, multiple submitters, no conflicts (2 of 4 stars). 3 submissions from 3 submitters: Pathogenic (3). Last evaluated 2024-05-08.

Conditions:
Neurometabolic disorder due to serine deficiency. Identifiers: Orphanet 35705, MedGen C5680148, MONDO:0018162.
PHGDH deficiency. Identifiers: Orphanet 79351, MedGen C1866174, MONDO:0011152, OMIM 601815.

Submissions (3):

Myriad Genetics, Inc.
Classification: Pathogenic for Neurometabolic disorder due to serine deficiency. Last evaluated: 2024-05-08. Review status: criteria provided, single submitter. Criteria: Myriad Autosomal Dominant, Autosomal Recessive and X-Linked Classification Criteria (2023). Collection method: clinical testing. Allele origin: unknown.
Comment: NM_006623.3(PHGDH):c.670C>T(Q224*) is expected to be pathogenic in the context of serine deficiency disorder, PHGDH-related. This variant is predicted to lead to an abnormal or absent protein product due to the creation of a premature termination codon in PHGDH, a gene where loss-of-function variants are known to be pathogenic. Please note: this variant was assessed in the context of healthy population screening.

Institute of Immunology and Genetics Kaiserslautern
Classification: Pathogenic for PHGDH deficiency. Last evaluated: 2024-04-25. Review status: criteria provided, single submitter. Criteria: ACMG Guidelines, 2015. Collection method: clinical testing. Allele origin: maternal. Affected: yes.
Comment: ACMG Criteria: PM2, PVS1, PP5; Variant was found in heterozygous state

Labcorp Genetics (formerly Invitae), Labcorp
Classification: Pathogenic for PHGDH deficiency. Last evaluated: 2022-05-27. Review status: criteria provided, single submitter. Criteria: Invitae Variant Classification Sherloc (09022015). Collection method: clinical testing. Allele origin: germline.
Comment: This sequence change creates a premature translational stop signal (p.Gln224*) in the PHGDH gene. It is expected to result in an absent or disrupted protein product. Loss-of-function variants in PHGDH are known to be pathogenic (PMID: 14645240, 24836451). This variant is not present in population databases (gnomAD no frequency). This variant has not been reported in the literature in individuals affected with PHGDH-related conditions. Algorithms developed to predict the effect of sequence changes on RNA splicing suggest that this variant may create or strengthen a splice site. For these reasons, this variant has been classified as Pathogenic.

Literature cited by the submitters: PubMed 14645240 (cited by Labcorp Genetics (formerly Invitae), Labcorp); PubMed 24836451 (cited by Labcorp Genetics (formerly Invitae), Labcorp).

NM_006623.4(PHGDH):c.670C>T (p.Gln224Ter)

Gene: PHGDH (phosphoglycerate dehydrogenase; plus strand). Cytogenetic location: 1p12.
Variant type: single nucleotide variant.
Coding change: c.670C>T on transcript NM_006623.4 (MANE Select); coding-DNA position 670, C replaced by T.
Protein change: p.Gln224Ter; replaces glutamine 224 with a stop codon.
Molecular consequence: nonsense.
Genome position (GRCh38, 1-based): chr1:119,735,321, C>T. VCF-style: chr1-119735321-C-T. GRCh37 (hg19) VCF-style: chr1-120277944-C-T.
Other names: short protein forms Q224*.
Identifiers: ClinVar variation 1455475 (VCV001455475.8), dbSNP rs2101198087, ClinGen allele CA341850061.